The following is an entry in ClinVar:

NM_004519.4(KCNQ3):c.626C>G (p.Ser209Cys)

Gene: KCNQ3 (potassium voltage-gated channel subfamily Q member 3; minus strand). Cytogenetic location: 8q24.22.
Variant type: single nucleotide variant.
Coding change: c.626C>G on transcript NM_004519.4 (MANE Select); coding-DNA position 626, C replaced by G.
Protein change: p.Ser209Cys; replaces serine 209 with cysteine.
Molecular consequence: missense variant.
Genome position (GRCh38, 1-based): chr8:132,180,308, G>C on the plus strand (C>G on the coding strand, the complement: KCNQ3 is on the minus strand). VCF-style: chr8-132180308-G-C. GRCh37 (hg19) VCF-style: chr8-133192555-G-C.
Other names: c.266C>G, p.Ser89Cys (NM_001204824.2); short protein forms S209C, S89C.
Identifiers: ClinVar variation 3777641 (VCV003777641.1).

ClinVar aggregate classification (germline): Uncertain significance (1 of 4 stars; one submission).

Submission:

GeneDx
Classification: Uncertain significance. Last evaluated: 2024-10-09. Review status: criteria provided, single submitter. Criteria: GeneDx Variant Classification Process June 2021. Collection method: clinical testing. Allele origin: germline. Affected: yes.
Comment: Not observed at significant frequency in large population cohorts (gnomAD); In silico analysis supports that this missense variant has a deleterious effect on protein structure/function; Has not been previously published as pathogenic or benign to our knowledge